The following is an entry in ClinVar:

ClinVar aggregate classification (germline): Uncertain significance. Review status: criteria provided, multiple submitters, no conflicts (2 of 4 stars). 3 submissions from 3 submitters: Uncertain significance (3). Last evaluated 2022-08-19.

Conditions:
Familial hemophagocytic lymphohistiocytosis 3 (FHL3). Also called: UNC13D-Related Familial Hemophagocytic Lymphohistiocytosis (UNC13D-fHLH). Identifiers: Orphanet 540, MedGen C1837174, MONDO:0012146, OMIM 608898.

Allele frequency attached by ClinVar (database versions not stated): gnomAD below 0.00001 and 0.00005; TOPMed 0.00001; ExAC 0.00033; 1000 Genomes Project 0.00040.
gnomAD v4.1: 153 of 1,596,746 alleles (0.0096%); highest among the groups gnomAD compares: South Asian, 0.15%; no homozygotes.

Submissions (3):

Labcorp Genetics (formerly Invitae), Labcorp
Classification: Uncertain significance for Familial hemophagocytic lymphohistiocytosis 3. Last evaluated: 2022-08-19. Review status: criteria provided, single submitter. Criteria: Invitae Variant Classification Sherloc (09022015). Collection method: clinical testing. Allele origin: germline.
Comment: This sequence change replaces arginine, which is basic and polar, with glutamine, which is neutral and polar, at codon 1077 of the UNC13D protein (p.Arg1077Gln). This variant is present in population databases (rs560279707, gnomAD 0.1%). This variant has not been reported in the literature in individuals affected with UNC13D-related conditions. ClinVar contains an entry for this variant (Variation ID: 639022). Algorithms developed to predict the effect of missense changes on protein structure and function are either unavailable or do not agree on the potential impact of this missense change (SIFT: "Not Available"; PolyPhen-2: "Probably Damaging"; Align-GVGD: "Not Available"). In summary, the available evidence is currently insufficient to determine the role of this variant in disease. Therefore, it has been classified as a Variant of Uncertain Significance.

Revvity Omics, Revvity
Classification: Uncertain significance for Familial hemophagocytic lymphohistiocytosis 3. Last evaluated: 2022-03-18. Review status: criteria provided, single submitter. Criteria: ACMG Guidelines, 2015. Collection method: clinical testing. Allele origin: germline.

Illumina Laboratory Services, Illumina
Classification: Uncertain significance for Familial hemophagocytic lymphohistiocytosis 3. Last evaluated: 2018-01-13. Review status: criteria provided, single submitter. Criteria: ICSL Variant Classification Criteria 13 December 2019. Collection method: clinical testing. Allele origin: germline.

NM_199242.3(UNC13D):c.3230G>A (p.Arg1077Gln)

Gene: UNC13D (unc-13 homolog D; minus strand). Cytogenetic location: 17q25.1.
Variant type: single nucleotide variant.
Coding change: c.3230G>A on transcript NM_199242.3 (MANE Select); coding-DNA position 3230, G replaced by A.
Protein change: p.Arg1077Gln; replaces arginine 1077 with glutamine.
Molecular consequence: missense variant.
Genome position (GRCh38, 1-based): chr17:75,828,008, C>T on the plus strand (G>A on the coding strand, the complement: UNC13D is on the minus strand). VCF-style: chr17-75828008-C-T. GRCh37 (hg19) VCF-style: chr17-73824089-C-T.
Other names: short protein forms R1077Q.
Identifiers: ClinVar variation 639022 (VCV000639022.10), dbSNP rs560279707, ClinGen allele CA8772219.